The following is an entry in ClinVar:

NM_006796.3(AFG3L2):c.1552+3G>A

Gene: AFG3L2 (AFG3 like matrix AAA peptidase subunit 2; minus strand). Cytogenetic location: 18p11.21.
Variant type: single nucleotide variant.
Coding change: c.1552+3G>A on transcript NM_006796.3 (MANE Select); 3 bases into the intron after coding-DNA position 1552, G replaced by A.
Molecular consequence: intron variant.
Genome position (GRCh38, 1-based): chr18:12,351,082, C>T on the plus strand (G>A on the coding strand, the complement: AFG3L2 is on the minus strand). VCF-style: chr18-12351082-C-T. GRCh37 (hg19) VCF-style: chr18-12351081-C-T.
Identifiers: ClinVar variation 509545 (VCV000509545.1), dbSNP rs1555671791, ClinGen allele CA658799003.
Genomic context (GRCh38, chr18:12,351,082, plus strand): 5'-ACCTGGTAACTGTTACTGATTTTAATATGCTTCTAAATAGGGTCCTCGTTATTTTCCACT[C>T]ACCTGAAAACCCTGGAGTTAAAGATGCCAGTTTTCTTGCCAATTTATCCTTCTCCAGGGT-3'

ClinVar aggregate classification (germline): Likely benign (1 of 4 stars; one submission).

Submission:

GeneDx
Classification: Likely benign. Last evaluated: 2017-05-19. Review status: criteria provided, single submitter. Criteria: GeneDx Variant Classification (06012015). Collection method: clinical testing. Allele origin: germline. Affected: yes.
Comment: This variant is considered likely benign or benign based on one or more of the following criteria: it is a conservative change, it occurs at a poorly conserved position in the protein, it is predicted to be benign by multiple in silico algorithms, and/or has population frequency not consistent with disease.